The following is an entry in ClinVar:

ClinVar aggregate classification (germline): Uncertain significance. Review status: criteria provided, multiple submitters, no conflicts (2 of 4 stars). 2 submissions from 2 submitters: Uncertain significance (2). Last evaluated 2025-04-16.

Conditions:
Inborn genetic diseases. Identifiers: MedGen C0950123, MeSH D030342.

Allele frequency attached by ClinVar (database versions not stated): ExAC 0.00001; gnomAD exomes 0.00001; gnomAD 0.00003; ESP Exome Variant Server 0.00008; TOPMed 0.00010.
gnomAD v4.1: 19 of 1,613,818 alleles (0.0012%); highest among the groups gnomAD compares: Middle Eastern, 0.049%; no homozygotes.

Submissions (2):

Ambry Genetics
Classification: Uncertain significance for Inborn genetic diseases. Last evaluated: 2025-04-16. Review status: criteria provided, single submitter. Criteria: Ambry Variant Classification Scheme 2023. Collection method: clinical testing. Allele origin: germline.

Labcorp Genetics (formerly Invitae), Labcorp
Classification: Uncertain significance. Last evaluated: 2024-08-09. Review status: criteria provided, single submitter. Criteria: Invitae Variant Classification Sherloc (09022015). Collection method: clinical testing. Allele origin: germline.
Comment: This sequence change replaces isoleucine, which is neutral and non-polar, with threonine, which is neutral and polar, at codon 2361 of the DNAH9 protein (p.Ile2361Thr). This variant is present in population databases (rs368139938, gnomAD 0.01%). This variant has not been reported in the literature in individuals affected with DNAH9-related conditions. ClinVar contains an entry for this variant (Variation ID: 2465593). An algorithm developed to predict the effect of missense changes on protein structure and function outputs the following: PolyPhen-2: "Benign". The threonine amino acid residue is found in multiple mammalian species, which suggests that this missense change does not adversely affect protein function. In summary, the available evidence is currently insufficient to determine the role of this variant in disease. Therefore, it has been classified as a Variant of Uncertain Significance.

NM_001372.4(DNAH9):c.7082T>C (p.Ile2361Thr)

Gene: DNAH9 (dynein axonemal heavy chain 9; plus strand). Cytogenetic location: 17p12.
Variant type: single nucleotide variant.
Coding change: c.7082T>C on transcript NM_001372.4 (MANE Select); coding-DNA position 7082, T replaced by C.
Protein change: p.Ile2361Thr; replaces isoleucine 2361 with threonine.
Molecular consequence: missense variant.
Genome position (GRCh38, 1-based): chr17:11,763,526, T>C. VCF-style: chr17-11763526-T-C. GRCh37 (hg19) VCF-style: chr17-11666843-T-C.
Other names: short protein forms I2361T.
Identifiers: ClinVar variation 2465593 (VCV002465593.5), dbSNP rs368139938, ClinGen allele CA8396508.
Genomic context (GRCh38, chr17:11,763,526, plus strand): 5'-AGCAGAGCATGGTTCAGATGGTGTGTCACCTTCTGGAATGTCTCCTGACCACGGAGGACA[T>C]CCCTGCAGACTGCCCTAAGGAAATTTATGAGCATTATTTTGTGTTTGCTGCCATCTGGGC-3'
Protein context (NP_001363.2, residues 2351-2371): LLECLLTTED[Ile2361Thr]PADCPKEIYE